The following is an entry in ClinVar:

NM_003786.4(ABCC3):c.2718G>A (p.Gln906=)

Gene: ABCC3 (ATP binding cassette subfamily C member 3; plus strand). Cytogenetic location: 17q21.33.
Variant type: single nucleotide variant.
Coding change: c.2718G>A on transcript NM_003786.4 (MANE Select); coding-DNA position 2718, G replaced by A.
Protein change: p.Gln906=; no amino-acid change (glutamine 906 retained).
Molecular consequence: synonymous variant.
Genome position (GRCh38, 1-based): chr17:50,675,634, G>A. VCF-style: chr17-50675634-G-A. GRCh37 (hg19) VCF-style: chr17-48752995-G-A.
Identifiers: ClinVar variation 3387837 (VCV003387837.14).
Genomic context (GRCh38, chr17:50,675,634, plus strand): 5'-TCTGTCCTGGGGGGTGCTTGAGGCCCCCTCCCTGGGCCTGACCAGCTGCCTCCACAGACA[G>A]CTGAGTGCCCTGTCCTCAGATGGGGAGGGACAGGGTCGGCCTGTACCCCGGAGGCACCTG-3'
Protein context (NP_003777.2, residues 896-916): TYVVQKQFMR[Gln906=]LSALSSDGEG

ClinVar aggregate classification (germline): Likely benign (1 of 4 stars; one submission).

gnomAD v4.1: 9,535 of 1,566,766 alleles (0.61%); highest among the groups gnomAD compares: Non-Finnish European, 0.72%; 32 homozygotes.

Submission:

CeGaT Center for Human Genetics Tuebingen
Classification: Likely benign. Last evaluated: 2024-10-01. Review status: criteria provided, single submitter. Criteria: CeGaT Center For Human Genetics Tuebingen Variant Classification Criteria Version 2. Collection method: clinical testing. Allele origin: germline. Affected: yes. Observed: 1 variant allele.
Comment: ABCC3: BP4, BP7, BS2